The following is an entry in ClinVar:

ClinVar aggregate classification (germline): Uncertain significance (1 of 4 stars; one submission).

gnomAD v4.1: 2 of 1,612,492 alleles (0.00012%); highest among the groups gnomAD compares: African/African-American, 0.0027%; no homozygotes.

Submission:

Women's Health and Genetics/Laboratory Corporation of America, LabCorp
Classification: Uncertain significance. Last evaluated: 2026-03-24. Review status: criteria provided, single submitter. Criteria: LabCorp Variant Classification Summary - May 2015. Collection method: clinical testing. Allele origin: germline.
Comment: Variant summary: WNK1 c.5084C>A (p.Thr1695Asn) results in a non-conservative amino acid change in the encoded protein sequence. Algorithms developed to predict the effect of missense changes on protein structure and function all suggest that this variant is likely to be disruptive. The variant was absent in 250096 control chromosomes. The available data on variant occurrences in the general population are insufficient to allow any conclusion about variant significance. To our knowledge, no occurrence of c.5084C>A in individuals affected with WNK1-related conditions and no experimental evidence demonstrating its impact on protein function have been reported. No submitters have cited clinical-significance assessments for this variant to ClinVar. Based on the evidence outlined above, the variant was classified as uncertain significance.

NM_018979.4(WNK1):c.5084C>A (p.Thr1695Asn)

Gene: WNK1 (WNK lysine deficient protein kinase 1; plus strand). Cytogenetic location: 12p13.33.
Variant type: single nucleotide variant.
Coding change: c.5084C>A on transcript NM_018979.4 (MANE Select); coding-DNA position 5084, C replaced by A.
Protein change: p.Thr1695Asn; replaces threonine 1695 with asparagine.
Molecular consequence: missense variant.
Genome position (GRCh38, 1-based): chr12:885,888, C>A. VCF-style: chr12-885888-C-A. GRCh37 (hg19) VCF-style: chr12-995054-C-A.
Other names: c.5864C>A, p.Thr1955Asn (NM_001184985.2); c.4343C>A, p.Thr1448Asn (NM_014823.3); c.5840C>A, p.Thr1947Asn (NM_213655.5); short protein forms T1448N, T1695N, T1947N, T1955N.
Identifiers: ClinVar variation 4847729 (VCV004847729.1).